The following is an entry in ClinVar:

NM_000059.4(BRCA2):c.778G>A (p.Glu260Lys)

Gene: BRCA2 (BRCA2 DNA repair associated; plus strand). Cytogenetic location: 13q13.1.
Variant type: single nucleotide variant.
Coding change: c.778G>A on transcript NM_000059.4 (MANE Select); coding-DNA position 778, G replaced by A.
Protein change: p.Glu260Lys; replaces glutamic acid 260 with lysine.
Molecular consequence: missense variant.
Genome position (GRCh38, 1-based): chr13:32,331,015, G>A. VCF-style: chr13-32331015-G-A. GRCh37 (hg19) VCF-style: chr13-32905152-G-A.
Other names: short protein forms E260K.
Identifiers: ClinVar variation 1415609 (VCV001415609.8), dbSNP rs2072387354, ClinGen allele CA387760200.

ClinVar aggregate classification (germline): Uncertain significance (1 of 4 stars; one submission).

Conditions:
Hereditary breast ovarian cancer syndrome. Also called: Hereditary breast and ovarian cancer syndrome (HBOC); Breast and ovarian cancer; Hereditary breast and ovarian cancer syndrome; Hereditary breast and/or ovarian cancer syndrome; BRCA1- and BRCA2-Associated Hereditary Breast and Ovarian Cancer; Hereditary breast and ovarian cancer. Identifiers: Orphanet 145, MedGen C0677776, MeSH D061325, MONDO:0003582. Disease mechanism: loss of function.

Submission:

Labcorp Genetics (formerly Invitae), Labcorp
Classification: Uncertain significance for Hereditary breast ovarian cancer syndrome. Last evaluated: 2022-04-30. Review status: criteria provided, single submitter. Criteria: Invitae Variant Classification Sherloc (09022015). Collection method: clinical testing. Allele origin: germline.
Comment: In summary, the available evidence is currently insufficient to determine the role of this variant in disease. Therefore, it has been classified as a Variant of Uncertain Significance. Advanced modeling of protein sequence and biophysical properties (such as structural, functional, and spatial information, amino acid conservation, physicochemical variation, residue mobility, and thermodynamic stability) performed at Invitae indicates that this missense variant is not expected to disrupt BRCA2 protein function. This variant has not been reported in the literature in individuals affected with BRCA2-related conditions. This variant is not present in population databases (gnomAD no frequency). This sequence change replaces glutamic acid, which is acidic and polar, with lysine, which is basic and polar, at codon 260 of the BRCA2 protein (p.Glu260Lys).